The following is an entry in ClinVar:

NM_001382430.1(AKT1):c.47-4G>C

Gene: AKT1 (AKT serine/threonine kinase 1; minus strand). Cytogenetic location: 14q32.33.
Variant type: single nucleotide variant.
Coding change: c.47-4G>C on transcript NM_001382430.1 (MANE Select); 4 bases into the intron before coding-DNA position 47, G replaced by C.
Molecular consequence: intron variant.
Genome position (GRCh38, 1-based): chr14:104,780,220, C>G on the plus strand (G>C on the coding strand, the complement: AKT1 is on the minus strand). VCF-style: chr14-104780220-C-G. GRCh37 (hg19) VCF-style: chr14-105246557-C-G.
Other names: c.47-4G>C (NM_001014431.2, NM_001014432.2, NM_001382433.1 and 3 more transcripts).
Identifiers: ClinVar variation 1579929 (VCV001579929.10), dbSNP rs772346934, ClinGen allele CA7374913.
Genomic context (GRCh38, chr14:104,780,220, plus strand): 5'-AGGTGCCATCATTCTTGAGGAGGAAGTAGCGTGGCCGCCAGGTCTTGATGTACTCCCCTA[C>G]AGACGTGCGGGTGGTGAGAGCCACGCACACTCTACCCGTCAGACCCTCGCCAGGCAGCCA-3'

ClinVar aggregate classification (germline): Likely benign. Review status: criteria provided, single submitter (1 of 4 stars). 2 submissions from 2 submitters: Likely benign (1). 1 of the submissions does not count toward it. Last evaluated 2022-05-10.

Conditions:
AKT1-related disorder. Also called: AKT1-related condition.
Cowden syndrome 6 (CWS6). Identifiers: Orphanet 201, MedGen C3554519, MONDO:0014048, OMIM 615109.

gnomAD v4.1: 9 of 1,612,902 alleles (0.00056%); highest among the groups gnomAD compares: African/African-American, 0.012%; no homozygotes.

Submissions (2):

Labcorp Genetics (formerly Invitae), Labcorp
Classification: Likely benign for Cowden syndrome 6. Last evaluated: 2022-05-10. Review status: criteria provided, single submitter. Criteria: Invitae Variant Classification Sherloc (09022015). Collection method: clinical testing. Allele origin: germline.

PreventionGenetics, part of Exact Sciences
Classification: Likely benign for AKT1-related condition. Last evaluated: 2019-06-24. Review status: no assertion criteria provided. Collection method: clinical testing. Allele origin: germline. Not counted in ClinVar's aggregate classification.
Comment: This variant is classified as likely benign based on ACMG/AMP sequence variant interpretation guidelines (Richards et al. 2015 PMID: 25741868, with internal and published modifications).